The following is an entry in ClinVar:

NM_032578.4(MYPN):c.2925+174T>G

Gene: MYPN (myopalladin; plus strand). Cytogenetic location: 10q21.3.
Variant type: single nucleotide variant.
Coding change: c.2925+174T>G on transcript NM_032578.4 (MANE Select); 174 bases into the intron after coding-DNA position 2925, T replaced by G.
Molecular consequence: intron variant.
Genome position (GRCh38, 1-based): chr10:68,189,300, T>G. VCF-style: chr10-68189300-T-G. GRCh37 (hg19) VCF-style: chr10-69949057-T-G.
Other names: NC_000010.10:g.69949057T>G; c.2925+174T>G (NM_001256267.2); c.2043+174T>G (NM_001256268.2).
Identifiers: ClinVar variation 673051 (VCV000673051.2), dbSNP rs61857180, ClinGen allele CA15674541.
Genomic context (GRCh38, chr10:68,189,300, plus strand): 5'-TATTGATATAGTTGTACATGTTTTAGGGTATATGCAATATTTTGATACATGTATACAATG[T>G]GTAATGATCAAATCAGGATAACTGAGATATCCATCACTCAAACATTTATCTTTTTTGTGT-3'

ClinVar aggregate classification (germline): Benign (1 of 4 stars; one submission).

Allele frequency attached by ClinVar (database versions not stated): 1000 Genomes Project 0.15216; 1000 Genomes Project 30x 0.15397; TOPMed 0.18400; gnomAD 0.18402.
gnomAD v4.1: 27,871 of 152,172 alleles (18%); highest among the groups gnomAD compares: Middle Eastern, 26%; 2,947 homozygotes.

Submissions (4):

GeneDx
Classification: Benign. Last evaluated: 2018-06-19. Review status: criteria provided, single submitter. Criteria: GeneDx Variant Classification (06012015). Collection method: clinical testing. Allele origin: germline. Affected: yes.
Comment: This variant is considered likely benign or benign based on one or more of the following criteria: it is a conservative change, it occurs at a poorly conserved position in the protein, it is predicted to be benign by multiple in silico algorithms, and/or has population frequency not consistent with disease.

Dr. Peter K. Rogan Lab, Western University
No classification provided (evidence only). Condition: Cervical cancer. Review status: no classification provided. Collection method: in vitro. Allele origin: not applicable. Functional consequence: retained intron. Not counted in ClinVar's aggregate classification.

Dr. Peter K. Rogan Lab, Western University
No classification provided (evidence only). Condition: Malignant tumor of esophagus. Review status: no classification provided. Collection method: in vitro. Allele origin: not applicable. Functional consequence: retained intron. Not counted in ClinVar's aggregate classification.

Dr. Peter K. Rogan Lab, Western University
No classification provided (evidence only). Condition: Malignant tumor of esophagus. Review status: no classification provided. Collection method: in vitro. Allele origin: not applicable. Functional consequence: retained intron. Not counted in ClinVar's aggregate classification.